The following is an entry in ClinVar:

NM_001365999.1(SZT2):c.6646A>C (p.Ser2216Arg)

Gene: SZT2 (SZT2 subunit of KICSTOR complex; plus strand). Cytogenetic location: 1p34.2.
Variant type: single nucleotide variant.
Coding change: c.6646A>C on transcript NM_001365999.1 (MANE Select); coding-DNA position 6646, A replaced by C.
Protein change: p.Ser2216Arg; replaces serine 2216 with arginine.
Molecular consequence: missense variant.
Genome position (GRCh38, 1-based): chr1:43,438,947, A>C. VCF-style: chr1-43438947-A-C. GRCh37 (hg19) VCF-style: chr1-43904618-A-C.
Other names: c.6475A>C, p.Ser2159Arg (NM_015284.4); short protein forms S2159R, S2216R.
Identifiers: ClinVar variation 1195258 (VCV001195258.7), dbSNP rs1344772091, ClinGen allele CA340031488.

ClinVar aggregate classification (germline): Uncertain significance. Review status: criteria provided, multiple submitters, no conflicts (2 of 4 stars). 4 submissions from 4 submitters: Uncertain significance (4). Last evaluated 2025-06-18.

Conditions:
Inborn genetic diseases. Identifiers: MedGen C0950123, MeSH D030342.
Developmental and epileptic encephalopathy, 18 (DEE18). Also called: Early infantile epileptic encephalopathy 18. Identifiers: Orphanet 369894, MedGen C3809624, MONDO:0014201, OMIM 615476.

Allele frequency attached by ClinVar (database versions not stated): gnomAD exomes below 0.00001; TOPMed below 0.00001.
gnomAD v4.1: 8 of 1,614,138 alleles (0.0005%); highest among the groups gnomAD compares: Non-Finnish European, 0.00059%; no homozygotes.

Submissions (4):

Ambry Genetics
Classification: Uncertain significance for Inborn genetic diseases. Last evaluated: 2025-06-18. Review status: criteria provided, single submitter. Criteria: Ambry Variant Classification Scheme 2023. Collection method: clinical testing. Allele origin: germline.

Genome-Nilou Lab
Classification: Uncertain significance for Developmental and epileptic encephalopathy, 18. Last evaluated: 2023-04-11. Review status: criteria provided, single submitter. Criteria: ACMG Guidelines, 2015. Collection method: clinical testing. Allele origin: germline. Affected: no.

GeneDx
Classification: Uncertain significance. Last evaluated: 2023-01-11. Review status: criteria provided, single submitter. Criteria: GeneDx Variant Classification Process June 2021. Collection method: clinical testing. Allele origin: germline. Affected: yes.
Comment: Not observed at a significant frequency in large population cohorts (gnomAD); In silico analysis supports that this missense variant does not alter protein structure/function; Has not been previously published as pathogenic or benign to our knowledge

Labcorp Genetics (formerly Invitae), Labcorp
Classification: Uncertain significance. Last evaluated: 2021-10-29. Review status: criteria provided, single submitter. Criteria: Invitae Variant Classification Sherloc (09022015). Collection method: clinical testing. Allele origin: germline.
Comment: This sequence change replaces serine, which is neutral and polar, with arginine, which is basic and polar, at codon 2159 of the SZT2 protein (p.Ser2159Arg). This variant is present in population databases (no rsID available, gnomAD 0.0009%). This variant has not been reported in the literature in individuals affected with SZT2-related conditions. ClinVar contains an entry for this variant (Variation ID: 1195258). Algorithms developed to predict the effect of missense changes on protein structure and function are either unavailable or do not agree on the potential impact of this missense change (SIFT: "Tolerated"; PolyPhen-2: "Probably Damaging"; Align-GVGD: "Class C15"). In summary, the available evidence is currently insufficient to determine the role of this variant in disease. Therefore, it has been classified as a Variant of Uncertain Significance.